The following is an entry in ClinVar:

ClinVar aggregate classification (germline): Likely pathogenic (1 of 4 stars; one submission).

Submission:

GeneDx
Classification: Likely pathogenic. Last evaluated: 2025-04-17. Review status: criteria provided, single submitter. Criteria: GeneDx Variant Classification Process June 2021. Collection method: clinical testing. Allele origin: germline. Affected: yes.
Comment: Identified in a patient with features of MSX1-related oligodontia spectrum disorder in published literature, reported as Glu78FS (PMID: 28124261); Frameshift variant predicted to result in abnormal protein length as the last 220 amino acids are replaced with 89 different amino acids, and other similar variants have been reported; Not observed at significant frequency in large population cohorts (gnomAD); This variant is associated with the following publications: (PMID: 28124261)

NM_002448.3(MSX1):c.250_252delinsC (p.Glu84fs)

Genes: MSX1 (msh homeobox 1; plus strand), LOC129992137 (ATAC-STARR-seq lymphoblastoid silent region 15219; plus strand). Cytogenetic location: 4p16.2.
Variant type: Indel.
Coding change: c.250_252delinsC on transcript NM_002448.3 (MANE Select); coding-DNA positions 250 to 252, GAG replaced by C.
Protein change: p.Glu84fs; shifts the reading frame from glutamic acid 84.
Molecular consequence: frameshift variant.
Genome position (GRCh38, 1-based): chr4:4,860,149-4,860,151, GAG replaced by C. VCF-style: chr4-4860149-GAG-C. GRCh37 (hg19) VCF-style: chr4-4861876-GAG-C.
Other names: short protein forms E84fs.
Identifiers: ClinVar variation 4282372 (VCV004282372.1).